The following is an entry in ClinVar:

ClinVar aggregate classification (germline): Conflicting classifications of pathogenicity. Review status: criteria provided, conflicting classifications (1 of 4 stars). 2 submissions from 2 submitters: Uncertain significance (1); Likely benign (1). Last evaluated 2026-08-12.

Conditions:
Familial thoracic aortic aneurysm and aortic dissection (TAAD). Also called: Thoracic aortic aneurysms and dissections. Identifiers: Orphanet 91387, MedGen C4707243, MONDO:0019625.
Adams-Oliver syndrome 5 (AOS5). Identifiers: Orphanet 974, MedGen C4014970, MONDO:0014459, OMIM 616028.

Allele frequency attached by ClinVar (database versions not stated): gnomAD 0.00003; gnomAD exomes 0.00001 and below 0.00001; TOPMed 0.00003.
gnomAD v4.1: 6 of 1,612,728 alleles (0.00037%); highest among the groups gnomAD compares: Admixed American, 0.01%; no homozygotes.

Submissions (2):

Ambry Genetics
Classification: Uncertain significance for Familial thoracic aortic aneurysm and aortic dissection. Last evaluated: 2026-08-12. Review status: criteria provided, single submitter. Criteria: Ambry Variant Classification Scheme 2023. Collection method: clinical testing. Allele origin: germline.
Comment: The p.E663V variant (also known as c.1988A>T), located in coding exon 12 of the NOTCH1 gene, results from an A to T substitution at nucleotide position 1988. The glutamic acid at codon 663 is replaced by valine, an amino acid with dissimilar properties. This variant was reported in individual(s) with features consistent with congenital heart disease (Hauser NS et al. Mol Genet Genomic Med, 2018 Mar;6:200-212). This amino acid position is well conserved in available vertebrate species. In addition, the in silico prediction for this alteration is inconclusive. Based on the available evidence, the clinical significance of this variant remains unclear.

Labcorp Genetics (formerly Invitae), Labcorp
Classification: Likely benign for Adams-Oliver syndrome 5. Last evaluated: 2025-08-26. Review status: criteria provided, single submitter. Criteria: Invitae Variant Classification Sherloc (09022015). Collection method: clinical testing. Allele origin: germline.

Literature cited by the submitters: PubMed 29368431 (cited by Ambry Genetics).

NM_017617.5(NOTCH1):c.1988A>T (p.Glu663Val)

Gene: NOTCH1 (notch receptor 1; minus strand). Cytogenetic location: 9q34.3.
Variant type: single nucleotide variant.
Coding change: c.1988A>T on transcript NM_017617.5 (MANE Select); coding-DNA position 1988, A replaced by T.
Protein change: p.Glu663Val; replaces glutamic acid 663 with valine.
Molecular consequence: missense variant.
Genome position (GRCh38, 1-based): chr9:136,515,316, T>A on the plus strand (A>T on the coding strand, the complement: NOTCH1 is on the minus strand). VCF-style: chr9-136515316-T-A. GRCh37 (hg19) VCF-style: chr9-139409768-T-A.
Other names: c.1988A>T (NM_017617.3); short protein forms E663V.
Identifiers: ClinVar variation 1047056 (VCV001047056.9), dbSNP rs1468283318, ClinGen allele CA375559128.